The following is an entry in ClinVar:

NM_014956.5(CEP164):c.4104C>T (p.Ile1368=)

Gene: CEP164 (centrosomal protein 164; plus strand). Cytogenetic location: 11q23.3.
Variant type: single nucleotide variant.
Coding change: c.4104C>T on transcript NM_014956.5 (MANE Select); coding-DNA position 4104, C replaced by T.
Protein change: p.Ile1368=; no amino-acid change (isoleucine 1368 retained).
Molecular consequence: synonymous variant.
Genome position (GRCh38, 1-based): chr11:117,410,835, C>T. VCF-style: chr11-117410835-C-T. GRCh37 (hg19) VCF-style: chr11-117281551-C-T.
Other names: c.4089C>T, p.Ile1363= (NM_001271933.2); c.4104C>T (NM_014956.4).
Identifiers: ClinVar variation 1583284 (VCV001583284.11), dbSNP rs371631049, ClinGen allele CA6295707.

ClinVar aggregate classification (germline): Likely benign. Review status: criteria provided, multiple submitters, no conflicts (2 of 4 stars). 3 submissions from 3 submitters: Likely benign (2). 1 of the submissions does not count toward it. Last evaluated 2024-10-16.

Conditions:
CEP164-related disorder. Also called: CEP164-related condition.
Nephronophthisis 15 (NPHP15). Identifiers: Orphanet 3156, MedGen C3541853, MONDO:0013917, OMIM 614845.

Allele frequency attached by ClinVar (database versions not stated): ExAC 0.00001; gnomAD 0.00005 and 0.00008; TOPMed 0.00005; ESP Exome Variant Server 0.00008.
gnomAD v4.1: 26 of 1,612,588 alleles (0.0016%); highest among the groups gnomAD compares: African/African-American, 0.033%; no homozygotes.

Submissions (3):

Labcorp Genetics (formerly Invitae), Labcorp
Classification: Likely benign for Nephronophthisis 15. Last evaluated: 2024-10-16. Review status: criteria provided, single submitter. Criteria: Invitae Variant Classification Sherloc (09022015). Collection method: clinical testing. Allele origin: germline.

Fulgent Genetics
Classification: Likely benign for Nephronophthisis 15. Last evaluated: 2022-05-12. Review status: criteria provided, single submitter. Criteria: ACMG Guidelines, 2015. Collection method: clinical testing. Allele origin: unknown.

PreventionGenetics, part of Exact Sciences
Classification: Likely benign for CEP164-related condition. Last evaluated: 2019-10-25. Review status: no assertion criteria provided. Collection method: clinical testing. Allele origin: germline. Not counted in ClinVar's aggregate classification.
Comment: This variant is classified as likely benign based on ACMG/AMP sequence variant interpretation guidelines (Richards et al. 2015 PMID: 25741868, with internal and published modifications).